The following is an entry in ClinVar:

NM_020937.4(FANCM):c.2097A>T (p.Glu699Asp)

Gene: FANCM (FA complementation group M; plus strand). Cytogenetic location: 14q21.2.
Variant type: single nucleotide variant.
Coding change: c.2097A>T on transcript NM_020937.4 (MANE Select); coding-DNA position 2097, A replaced by T.
Protein change: p.Glu699Asp; replaces glutamic acid 699 with aspartic acid.
Molecular consequence: missense variant.
Genome position (GRCh38, 1-based): chr14:45,170,683, A>T. VCF-style: chr14-45170683-A-T. GRCh37 (hg19) VCF-style: chr14-45639886-A-T.
Other names: c.2019A>T, p.Glu673Asp (NM_001308133.2); short protein forms E673D, E699D.
Identifiers: ClinVar variation 4798459 (VCV004798459.1).
Genomic context (GRCh38, chr14:45,170,683, plus strand): 5'-CTTATCAGAAGAAGAATTTAAATTATGGAACAGACTTTATAGATTAAGGGACAGTGATGA[A>T]ATTAAAGAGATAACATTGCCTCAAGTTCAGTTTTCTTCTTTACAAAATGAGGAAAACAAA-3'
Protein context (NP_065988.1, residues 689-709): NRLYRLRDSD[Glu699Asp]IKEITLPQVQ

ClinVar aggregate classification (germline): Uncertain significance (1 of 4 stars; one submission).

Conditions:
Fanconi anemia (FA). Also called: Fanconi's anemia. Identifiers: Orphanet 84, MedGen C0015625, MeSH D005199, MONDO:0019391.

Submission:

Labcorp Genetics (formerly Invitae), Labcorp
Classification: Uncertain significance for Fanconi anemia. Last evaluated: 2025-08-28. Review status: criteria provided, single submitter. Criteria: Invitae Variant Classification Sherloc (09022015). Collection method: clinical testing. Allele origin: germline.
Comment: This sequence change replaces glutamic acid, which is acidic and polar, with aspartic acid, which is acidic and polar, at codon 699 of the FANCM protein (p.Glu699Asp). This variant is not present in population databases (gnomAD no frequency). This variant has not been reported in the literature in individuals affected with FANCM-related conditions. An algorithm developed to predict the effect of missense changes on protein structure and function (PolyPhen-2) suggests that this variant is likely to be tolerated. In summary, the available evidence is currently insufficient to determine the role of this variant in disease. Therefore, it has been classified as a Variant of Uncertain Significance.